The following is an entry in ClinVar:

NM_001018005.2(TPM1):c.205G>A (p.Glu69Lys)

Gene: TPM1 (tropomyosin 1; plus strand). Cytogenetic location: 15q22.2.
Variant type: single nucleotide variant.
Coding change: c.205G>A on transcript NM_001018005.2 (MANE Select); coding-DNA position 205, G replaced by A.
Protein change: p.Glu69Lys; replaces glutamic acid 69 with lysine.
Molecular consequence: missense variant. On other transcripts: non-coding transcript variant (12), intron variant (10).
Genome position (GRCh38, 1-based): chr15:63,044,117, G>A. VCF-style: chr15-63044117-G-A. GRCh37 (hg19) VCF-style: chr15-63336316-G-A.
Other names: c.205G>A, p.Glu69Lys (NM_000366.6, NM_001018004.2, NM_001018006.2 and 10 more transcripts); c.331G>A, p.Glu111Lys (NM_001365778.1, NM_001407322.1, NM_001407323.1 and 1 more transcripts); c.240+286G>A (NM_001407336.1, NM_001018020.2, NM_001407338.1 and 7 more transcripts); short protein forms E111K, E69K.
Identifiers: ClinVar variation 3730492 (VCV003730492.2).

ClinVar aggregate classification (germline): Uncertain significance (1 of 4 stars; one submission).

Conditions:
Hypertrophic cardiomyopathy. Also called: HYPERTROPHIC MYOCARDIOPATHY. Identifiers: Orphanet 217569, MedGen C0007194, MeSH D002312, MONDO:0005045, HP:0001639.

Submission:

Labcorp Genetics (formerly Invitae), Labcorp
Classification: Uncertain significance for Hypertrophic cardiomyopathy. Last evaluated: 2024-11-03. Review status: criteria provided, single submitter. Criteria: Invitae Variant Classification Sherloc (09022015). Collection method: clinical testing. Allele origin: germline.
Comment: This sequence change replaces glutamic acid, which is acidic and polar, with lysine, which is basic and polar, at codon 69 of the TPM1 protein (p.Glu69Lys). This variant is not present in population databases (gnomAD no frequency). This variant has not been reported in the literature in individuals affected with TPM1-related conditions. An algorithm developed to predict the effect of missense changes on protein structure and function (PolyPhen-2) suggests that this variant is likely to be tolerated. In summary, the available evidence is currently insufficient to determine the role of this variant in disease. Therefore, it has been classified as a Variant of Uncertain Significance.